The following is an entry in ClinVar:

NM_000297.4(PKD2):c.1146_1149dup (p.Ala384fs)

Gene: PKD2 (polycystin 2, transient receptor potential cation channel; plus strand). Cytogenetic location: 4q22.1.
Variant type: Duplication.
Coding change: c.1146_1149dup on transcript NM_000297.4 (MANE Select); coding-DNA positions 1146 to 1149, 4 bases duplicated (CATT; older notation c.1146_1149dupCATT).
Protein change: p.Ala384fs; shifts the reading frame from alanine 384.
Molecular consequence: frameshift variant. On other transcripts: non-coding transcript variant (1).
Genome position (GRCh38, 1-based): chr4:88,043,284-88,043,287, CATT duplicated; duplicating any 4 consecutive bases within chr4:88,043,283-88,043,287 gives the same sequence; the c. name uses the placement nearest the transcript's 3' end. VCF-style (leftmost placement, unchanged base first): chr4-88043282-A-ATCAT. GRCh37 (hg19) VCF-style: chr4-88964434-A-ATCAT.
Other names: short protein forms A384fs.
Identifiers: ClinVar variation 1460282 (VCV001460282.6), dbSNP rs2110112083, ClinGen allele CA2573138375.

ClinVar aggregate classification (germline): Pathogenic (1 of 4 stars; one submission).

Conditions:
Autosomal dominant polycystic kidney disease. Identifiers: Orphanet 730, MedGen C0085413, MONDO:0004691.

Submission:

Labcorp Genetics (formerly Invitae), Labcorp
Classification: Pathogenic for Autosomal dominant polycystic kidney disease. Last evaluated: 2026-01-06. Review status: criteria provided, single submitter. Criteria: Invitae Variant Classification Sherloc (09022015). Collection method: clinical testing. Allele origin: germline.
Comment: This sequence change creates a premature translational stop signal (p.Ala384Hisfs*5) in the PKD2 gene. It is expected to result in an absent or disrupted protein product. Loss-of-function variants in PKD2 are known to be pathogenic (PMID: 17582161, 22863349). This variant is not present in population databases (gnomAD no frequency). This variant has not been reported in the literature in individuals affected with PKD2-related conditions. ClinVar contains an entry for this variant (Variation ID: 1460282). For these reasons, this variant has been classified as Pathogenic.

Literature cited by the submitters: PubMed 17582161; PubMed 22863349.